The following is an entry in ClinVar:

NM_000540.3(RYR1):c.8594T>C (p.Val2865Ala)

Genes: RYR1 (ryanodine receptor 1; plus strand), LOC126862902 (BRD4-independent group 4 enhancer GRCh37_chr19:38995830-38997029; plus strand). Cytogenetic location: 19q13.2.
Variant type: single nucleotide variant.
Coding change: c.8594T>C on transcript NM_000540.3 (MANE Select); coding-DNA position 8594, T replaced by C.
Protein change: p.Val2865Ala; replaces valine 2865 with alanine.
Molecular consequence: missense variant.
Genome position (GRCh38, 1-based): chr19:38,506,355, T>C. VCF-style: chr19-38506355-T-C. GRCh37 (hg19) VCF-style: chr19-38996995-T-C.
Other names: c.8594T>C, p.Val2865Ala (NM_001042723.2); short protein forms V2865A.
Identifiers: ClinVar variation 2196194 (VCV002196194.2), dbSNP rs2514366033, ClinGen allele CA405679434.
Genomic context (GRCh38, chr19:38,506,355, plus strand): 5'-CCTCTCAGACCTATGATCCTCGAGAAGGCTACAACCCTCAGCCCCCCGACCTTAGTGCTG[T>C]TACCCTGTCCCGGGAGCTGCAGGTGAGAGCCCTGATCCTTTTGGGGGGACATAGGGTGTC-3'
Protein context (NP_000531.2, residues 2855-2875): YNPQPPDLSA[Val2865Ala]TLSRELQAMA

ClinVar aggregate classification (germline): Uncertain significance. Review status: criteria provided, multiple submitters, no conflicts (2 of 4 stars). 2 submissions from 2 submitters: Uncertain significance (2). Last evaluated 2023-02-24.

Conditions:
RYR1-related disorder. Also called: RYR1-related disorders; RYR1-related condition. Identifiers: MedGen CN239331.
Malignant hyperthermia, susceptibility to, 1 (MHS1). Also called: RYR1-Related Malignant Hyperthermia Susceptibility; Malignant hyperthermia suceptibility 1; Anesthesia related hyperthermia; Malignant hyperpyrexia; Fulminating hyperpyrexia; Pharmacogenic myopathy. Identifiers: Orphanet 423, MedGen C2930980, MONDO:0007783, OMIM 145600.

Allele frequency attached by ClinVar (database versions not stated): gnomAD exomes below 0.00001.

Submissions (2):

All of Us Research Program, National Institutes of Health
Classification: Uncertain significance for Malignant hyperthermia, susceptibility to, 1. Last evaluated: 2023-02-24. Review status: criteria provided, single submitter. Criteria: ACMG Guidelines, 2015. Collection method: clinical testing. Allele origin: germline. Inheritance: Autosomal dominant inheritance. Observed: 1 variant allele, 1 heterozygote.
Comment: This missense variant replaces valine with alanine at codon 2865 of the RYR1 protein. Computational prediction is inconclusive regarding the impact of this variant on protein structure and function (internally defined REVEL score threshold 0.5 < inconclusive < 0.7, PMID: 27666373). To our knowledge, functional studies have not been reported for this variant. This variant has not been reported in individuals affected with RYR1-related disorders in the literature. This variant has not been identified in the general population by the Genome Aggregation Database (gnomAD). The available evidence is insufficient to determine the role of this variant in disease conclusively. Therefore, this variant is classified as a Variant of Uncertain Significance.

This study involves interpretation of variants in research participants for the purpose of population health screening. Participant phenotype was not available at the time of variant classification. Additional details can be found in publication PMID: 35346344, PMCID: PMC8962531

Labcorp Genetics (formerly Invitae), Labcorp
Classification: Uncertain significance for RYR1-related disorder. Last evaluated: 2022-02-17. Review status: criteria provided, single submitter. Criteria: Invitae Variant Classification Sherloc (09022015). Collection method: clinical testing. Allele origin: germline.
Comment: This sequence change replaces valine, which is neutral and non-polar, with alanine, which is neutral and non-polar, at codon 2865 of the RYR1 protein (p.Val2865Ala). This variant is not present in population databases (gnomAD no frequency). This variant has not been reported in the literature in individuals affected with RYR1-related conditions. Advanced modeling of protein sequence and biophysical properties (such as structural, functional, and spatial information, amino acid conservation, physicochemical variation, residue mobility, and thermodynamic stability) performed at Invitae indicates that this missense variant is not expected to disrupt RYR1 protein function. In summary, the available evidence is currently insufficient to determine the role of this variant in disease. Therefore, it has been classified as a Variant of Uncertain Significance.